The following is an entry in ClinVar:

ClinVar aggregate classification (germline): Pathogenic. Review status: criteria provided, multiple submitters, no conflicts (2 of 4 stars). 10 submissions from 10 submitters: Pathogenic (9). 1 of the submissions does not count toward it. Last evaluated 2026-02-25.

Conditions:
Hereditary cancer-predisposing syndrome. Also called: Tumor predisposition; Hereditary Cancer Syndrome; Hereditary neoplastic syndrome; Neoplastic Syndromes, Hereditary. Identifiers: Orphanet 140162, MedGen C0027672, MeSH D009386, MONDO:0015356.
Multiple endocrine neoplasia, type 1 (MEN1). Also called: MEN I; WERMER SYNDROME; Endocrine adenomatosis multiple; MEN 1; MEA I. Identifiers: Orphanet 652, MedGen C0025267, MeSH D018761, MONDO:0007540, OMIM 131100.

Submissions (10):

Myriad Genetics, Inc.
Classification: Pathogenic for Multiple endocrine neoplasia, type 1. Last evaluated: 2026-02-25. Review status: criteria provided, single submitter. Criteria: Myriad Autosomal Dominant, Autosomal Recessive and X-Linked Classification Criteria (2023). Collection method: clinical testing. Allele origin: unknown.
Comment: This variant is considered pathogenic. This variant creates a frameshift predicted to result in premature protein truncation.

Department of Clinical Genetics, Copenhagen University Hospital, Rigshospitalet
Classification: Pathogenic for Multiple endocrine neoplasia, type 1. Last evaluated: 2026-01-04. Review status: criteria provided, single submitter. Criteria: ACMG Guidelines, 2015. Collection method: clinical testing. Allele origin: germline.
Comment: The variant c.1546del, p.(Arg516Glyfs*43) in MEN1 results in a frameshift and a premature stop codon in the last exon of MEN1, affecting the final 95 amino acids of MEN1 disrupting the nuclear localization signal (PVS1). The variant has previously been reported in patients/families with Multiple Endocrine Neoplasia type 1, including several Danish families (PMID: 16563611) (PS4_SUP).

Labcorp Genetics (formerly Invitae), Labcorp
Classification: Pathogenic for Multiple endocrine neoplasia, type 1. Last evaluated: 2025-11-22. Review status: criteria provided, single submitter. Criteria: Invitae Variant Classification Sherloc (09022015). Collection method: clinical testing. Allele origin: germline.
Comment: This sequence change creates a premature translational stop signal (p.Arg516Glyfs*43) in the MEN1 gene. While this is not anticipated to result in nonsense mediated decay, it is expected to disrupt the last 95 amino acid(s) of the MEN1 protein. The frequency data for this variant in the population databases is considered unreliable, as metrics indicate poor data quality at this position in the gnomAD database. This premature translational stop signal has been observed in individuals with multiple endocrine neoplasia type 1, or related disorders (PMID: 9215689, 12112656, 12213668, 15670192, 17065424, 17853334, 17879353, 23321498). Invitae Evidence Modeling of clinical and family history, age, sex, and reported ancestry of multiple individuals with this MEN1 variant has been performed. This variant is expected to be pathogenic with a positive predictive value of at least 99%. This is a validated machine learning model that incorporates the clinical features of 1,366,787 individuals referred to our laboratory for MEN1 testing. This variant is also known as 1650delC and 1656delC. ClinVar contains an entry for this variant (Variation ID: 200999). For these reasons, this variant has been classified as Pathogenic.

ARUP Laboratories, Molecular Genetics and Genomics, ARUP Laboratories
Classification: Pathogenic. Last evaluated: 2024-10-11. Review status: criteria provided, single submitter. Criteria: ARUP Molecular Germline Variant Investigation Process 2024. Collection method: clinical testing. Allele origin: germline.
Comment: The MEN1 c.1540delC; p.Arg516fs variant (rs794728642, ClinVar Variation ID: 200999), also known as 1650delC or 1656delC, is reported in the literature in multiple individuals affected with multiple endocrine neoplasia type 1 (Agarwal 1997, Cardinal 2005, Cuny 2013, Ellard 2005, Giraud 1998, Schaaf 2007, Wautot 2002). This variant is found in the Finnish European population with an allele frequency of 0.027% (5/18,304 alleles) in the Genome Aggregation Database. This variant results in a premature termination codon in the last exon of the MEN1 gene. While this may not lead to nonsense-mediated decay, it is expected to create a truncated protein that would include a sequence of 43 amino acid residues not usually present. This variant is predicted to disrupt a nuclear localization signal, and similar disruptions have been shown to abrogate the ability for MEN1 protein to bind DNA and inhibit cell proliferation (La 2004). Based on available information, the p.Arg516fs variant is considered to be pathogenic. References: Agarwal SK et al. Germline mutations of the MEN1 gene in familial multiple endocrine neoplasia type 1 and related states. Hum Mol Genet. 1997 Jul;6(7):1169-75. PMID: 9215689 Cardinal JW et al. A report of a national mutation testing service for the MEN1 gene: clinical presentations and implications for mutation testing. J Med Genet. 2005 Jan;42(1):69-74. PMID: 15635078 Cuny T et al. Genetic analysis in young patients with sporadic pituitary macroadenomas: besides AIP don't forget MEN1 genetic analysis. Eur J Endocrinol. 2013 Mar 15;168(4):533-41. PMID: 23321498 Ellard S et al. Detection of an MEN1 gene mutation depends on clinical features and supports current referral criteria for diagnostic molecular genetic testing. Clin Endocrinol (Oxf). 2005 Feb;62(2):169-75. PMID: 15670192 Giraud S et al. Germ-line mutation analysis in patients with multiple endocrine neoplasia type 1 and related disorders. Am J Hum Genet. 1998 Aug;63(2):455-67. PMID: 9683585 La P et al. Direct binding of DNA by tumor suppressor menin. J Biol Chem. 2004 Nov 19;279(47):49045-54. PMID: 15331604 Schaaf L et al. Developing effective screening strategies in multiple endocrine neoplasia type 1 (MEN 1) on the basis of clinical and sequencing data of German patients with MEN 1. Exp Clin Endocrinol Diabetes. 2007 Sep;115(8):509-17. PMID: 17853334 Wautot V et al. Germline mutation profile of MEN1 in multiple endocrine neoplasia type 1: search for correlation between phenotype and the functional domains of the MEN1 protein. Hum Mutat. 2002 Jul;20(1):35-47. PMID: 12112656

Ambry Genetics
Classification: Pathogenic for Hereditary cancer-predisposing syndrome. Last evaluated: 2023-02-22. Review status: criteria provided, single submitter. Criteria: Ambry Variant Classification Scheme 2023. Collection method: clinical testing. Allele origin: germline.
Comment: The c.1546delC pathogenic mutation, located in coding exon 9 of the MEN1 gene, results from a deletion of one nucleotide at nucleotide position 1546, causing a translational frameshift with a predicted alternate stop codon (p.R516Gfs*43). This mutation has reported in numerous individuals with personal and/or family history consistent with multiple endocrine neoplasia type 1 (Agarwal SK et al, Hum. Mol. Genet. 1997 Jul; 6(7):1169-75;Lemos MC et al, Hum. Mutat. 2008 Jan; 29(1):22-32; Cuny T et al. Eur. J. Endocrinol., 2013 Apr;168:533-41; Ventura M et al. Arch Endocrinol Metab, 2019 Sep;63:516-523). Of note, this alterations is also designated as c.1656delC and c.1561del (NM_130802.2) in the literature. This alteration is expected to result in loss of function by premature protein truncation or nonsense-mediated mRNA decay. As such, this alteration is interpreted as a disease-causing mutation.

GeneDx
Classification: Pathogenic. Last evaluated: 2023-02-21. Review status: criteria provided, single submitter. Criteria: GeneDx Variant Classification Process June 2021. Collection method: clinical testing. Allele origin: germline. Affected: yes.
Comment: Frameshift variant predicted to result in protein truncation in a gene for which loss-of-function is a known mechanism of disease; This variant is associated with the following publications: (PMID: 23321498, 9215689, 23933118, 12112656, 11836268, 12050235, 15670192, 10439966, 21916912, 9683585, 12746426, 11966739, 9463336, 17065424, 17853334, 17879353, 11419921, 31482957, 9465067)

Women's Health and Genetics/Laboratory Corporation of America, LabCorp
Classification: Pathogenic for Multiple endocrine neoplasia, type 1. Last evaluated: 2022-11-14. Review status: criteria provided, single submitter. Criteria: LabCorp Variant Classification Summary - May 2015. Collection method: clinical testing. Allele origin: germline.
Comment: Variant summary: MEN1 c.1546delC (p.Arg516GlyfsX43) results in a premature termination codon, predicted to cause a truncation of the encoded protein or absence of the protein due to nonsense mediated decay, which are commonly known mechanisms for disease. The variant allele was found at a frequency of 2.5e-05 in 237028 control chromosomes (gnomAD). c.1546delC has been reported in the literature in multiple individuals affected with Multiple Endocrine Neoplasia Type 1 (e.g. Bassett_1998, Cavaco_2002, Cuny_2013). These data indicate that the variant is very likely to be associated with disease. Five ClinVar submitters (evaluation after 2014) cite the variant as pathogenic. Based on the evidence outlined above, the variant was classified as pathogenic.

Quest Diagnostics Nichols Institute San Juan Capistrano
Classification: Pathogenic. Last evaluated: 2022-04-30. Review status: criteria provided, single submitter. Criteria: Quest Diagnostics criteria. Collection method: clinical testing. Allele origin: unknown.
Comment: This frameshift variant alters the translational reading frame of the MEN1 mRNA and causes the premature termination of MEN1 protein synthesis. In the published literature, the variant has been reported in affected individuals with multiple endocrine neoplasia type 1 in the published literature (PMIDs: 9215689 (1997), 12112656 (2002), 15670192 (2005), 17853334 (2007), 31482957 (2019), and 32909176 (2021)). Based on the available information, this variant is classified as pathogenic.

Athena Diagnostics
Classification: Pathogenic. Last evaluated: 2019-03-21. Review status: criteria provided, single submitter. Criteria: Athena Diagnostics Criteria. Collection method: clinical testing. Allele origin: germline.
Comment: The variant results in a shift of the reading frame, and is therefore predicted to result in the loss of a functional protein. Found in at least one symptomatic patient, and found in general population data that is consistent with pathogenicity.

OMIM
Classification: Pathogenic for MULTIPLE ENDOCRINE NEOPLASIA, TYPE I. Last evaluated: 2002-06-01. Review status: no assertion criteria provided. Collection method: literature only. Allele origin: germline. Not counted in ClinVar's aggregate classification.

Literature cited by the submitters: PubMed 16563611 (cited by Department of Clinical Genetics, Copenhagen University Hospital, Rigshospitalet); PubMed 9215689 (cited by 4 submitters); PubMed 12112656 (cited by 4 submitters); PubMed 12213668 (cited by Labcorp Genetics (formerly Invitae), Labcorp); PubMed 15670192 (cited by 4 submitters); PubMed 17065424 (cited by 4 submitters); PubMed 17853334 (cited by 4 submitters); PubMed 17879353 (cited by 4 submitters); PubMed 23321498 (cited by 5 submitters); PubMed 23565397 (cited by Ambry Genetics); PubMed 31482957 (cited by Ambry Genetics and Quest Diagnostics Nichols Institute San Juan Capistrano); PubMed 9463336 (cited by Women's Health and Genetics/Laboratory Corporation of America, LabCorp); PubMed 11966739 (cited by Women's Health and Genetics/Laboratory Corporation of America, LabCorp); PubMed 15331604 (cited by Quest Diagnostics Nichols Institute San Juan Capistrano and Athena Diagnostics); PubMed 16449969 (cited by Quest Diagnostics Nichols Institute San Juan Capistrano and Athena Diagnostics); PubMed 12050235 (cited by 3 submitters); PubMed 23933118 (cited by Quest Diagnostics Nichols Institute San Juan Capistrano and Athena Diagnostics); PubMed 26767918 (cited by Quest Diagnostics Nichols Institute San Juan Capistrano and Athena Diagnostics); PubMed 32909176 (cited by Quest Diagnostics Nichols Institute San Juan Capistrano).

NM_001370259.2(MEN1):c.1546del (p.Arg516fs)

Gene: MEN1 (menin 1; minus strand). Cytogenetic location: 11q13.1.
Variant type: Deletion.
Coding change: c.1546del on transcript NM_001370259.2 (MANE Select); coding-DNA position 1546, one base deleted (C; older notation c.1546delC).
Protein change: p.Arg516fs; shifts the reading frame from arginine 516.
Molecular consequence: frameshift variant.
Genome position (GRCh38, 1-based): chr11:64,804,621, G deleted on the plus strand (C on the coding strand, the reverse complement: MEN1 is on the minus strand); the first of 7 consecutive G bases (chr11:64,804,621-64,804,627); deleting any one gives the same sequence. VCF-style (leftmost placement, unchanged base first): chr11-64804620-CG-C. GRCh37 (hg19) VCF-style: chr11-64572092-CG-C.
Other names: c.1546delC (NM_130799.2); c.1561del, p.Arg521fs (NM_000244.4, NM_130800.3, NM_130801.3 and 3 more transcripts); c.1672del, p.Arg558fs (NM_001370251.2); c.1546del, p.Arg516fs (NM_001370260.2, NM_001370261.2, NM_130799.3); c.1441del, p.Arg481fs (NM_001370262.2, NM_001370263.2); short protein forms R516fs, R481fs, R521fs, R558fs.
Identifiers: ClinVar variation 200999 (VCV000200999.31), dbSNP rs767319284, ClinGen allele CA009199.